The following is an entry in ClinVar:

ClinVar aggregate classification (germline): Pathogenic (1 of 4 stars; one submission).

Conditions:
Atypical hemolytic-uremic syndrome. Identifiers: Orphanet 2134, MedGen C2931788, MONDO:0016244.

Submission:

Genomenon, Inc
Classification: Pathogenic for Atypical hemolytic-uremic syndrome. Last evaluated: 2026-09-17. Review status: criteria provided, single submitter. Criteria: Genomenon Sequence Variant Interpretation Standards - Updated. Collection method: curation. Allele origin: germline. Affected: yes.
Comment: CFH c.2957-1G>A is a canonical splice variant affecting the acceptor splice site of intron 18. It is predicted to affect mRNA splicing, leading to a deleterious effect on the CFH protein. This variant has been observed in at least one proband affected with atypical hemolytic-uremic syndrome (PMID: 28941939). Functional studies have been reported (PMID: 28941939). It is absent or not present at a significant frequency in gnomAD. In conclusion, we classify CFH c.2957-1G>A as a pathogenic variant.

Literature cited by the submitters: PubMed 28941939.

NM_000186.4(CFH):c.2957-1G>A

Gene: CFH (complement factor H; plus strand). Cytogenetic location: 1q31.3.
Variant type: single nucleotide variant.
Coding change: c.2957-1G>A on transcript NM_000186.4 (MANE Select); the canonical splice acceptor site of the intron before coding-DNA position 2957, G replaced by A.
Molecular consequence: splice acceptor variant.
Genome position (GRCh38, 1-based): chr1:196,741,874, G>A. VCF-style: chr1-196741874-G-A. GRCh37 (hg19) VCF-style: chr1-196711004-G-A.
Identifiers: ClinVar variation 4291527 (VCV004291527.2).
Genomic context (GRCh38, chr1:196,741,874, plus strand): 5'-GTATTGTATGTAACCTATTTTTAAAGATTTGCGGAACAAATACATATTTTTCCTATTTCA[G>A]AAACAGATTGTCTCAGTTTACCTAGCTTTGAAAATGCCATACCCATGGGAGAGAAGAAGG-3'